The following is an entry in ClinVar:

ClinVar aggregate classification (germline): Uncertain significance. Review status: criteria provided, multiple submitters, no conflicts (2 of 4 stars). 2 submissions from 2 submitters: Uncertain significance (2). Last evaluated 2025-12-06.

Conditions:
Hereditary cancer-predisposing syndrome. Also called: Tumor predisposition; Hereditary neoplastic syndrome; Neoplastic Syndromes, Hereditary; Hereditary Cancer Syndrome. Identifiers: Orphanet 140162, MedGen C0027672, MeSH D009386, MONDO:0015356.
Familial cancer of breast. Also called: BREAST CANCER, FAMILIAL; Hereditary breast cancer; hereditary breast carcinoma. Identifiers: Orphanet 227535, MedGen C0346153, MONDO:0016419, OMIM 114480. Disease mechanism: loss of function.

Allele frequency attached by ClinVar (database versions not stated): gnomAD exomes below 0.00001 and 0.00001; ExAC 0.00002.
gnomAD v4.1: 5 of 1,614,074 alleles (0.00031%); highest among the groups gnomAD compares: Admixed American, 0.0017%; no homozygotes.

Submissions (2):

Labcorp Genetics (formerly Invitae), Labcorp
Classification: Uncertain significance for Familial cancer of breast. Last evaluated: 2025-12-06. Review status: criteria provided, single submitter. Criteria: Invitae Variant Classification Sherloc (09022015). Collection method: clinical testing. Allele origin: germline.
Comment: This sequence change replaces leucine, which is neutral and non-polar, with valine, which is neutral and non-polar, at codon 451 of the PALB2 protein (p.Leu451Val). This variant is present in population databases (rs772691867, gnomAD 0.003%). This variant has not been reported in the literature in individuals affected with PALB2-related conditions. ClinVar contains an entry for this variant (Variation ID: 951843). Invitae Evidence Modeling of protein sequence and biophysical properties (such as structural, functional, and spatial information, amino acid conservation, physicochemical variation, residue mobility, and thermodynamic stability) indicates that this missense variant is not expected to disrupt PALB2 protein function with a negative predictive value of 80%. In summary, the available evidence is currently insufficient to determine the role of this variant in disease. Therefore, it has been classified as a Variant of Uncertain Significance.

Ambry Genetics
Classification: Uncertain significance for Hereditary cancer-predisposing syndrome. Last evaluated: 2023-03-24. Review status: criteria provided, single submitter. Criteria: Ambry Variant Classification Scheme 2023. Collection method: clinical testing. Allele origin: germline.
Comment: The p.L451V variant (also known as c.1351T>G), located in coding exon 4 of the PALB2 gene, results from a T to G substitution at nucleotide position 1351. The leucine at codon 451 is replaced by valine, an amino acid with highly similar properties. This amino acid position is not well conserved in available vertebrate species, and valine is the reference amino acid in other vertebrate species. In addition, this alteration is predicted to be tolerated by in silico analysis. Since supporting evidence is limited at this time, the clinical significance of this alteration remains unclear.

NM_024675.4(PALB2):c.1351T>G (p.Leu451Val)

Gene: PALB2 (partner and localizer of BRCA2; minus strand). Cytogenetic location: 16p12.2.
Variant type: single nucleotide variant.
Coding change: c.1351T>G on transcript NM_024675.4 (MANE Select); coding-DNA position 1351, T replaced by G.
Protein change: p.Leu451Val; replaces leucine 451 with valine.
Molecular consequence: missense variant.
Genome position (GRCh38, 1-based): chr16:23,635,195, A>C on the plus strand (T>G on the coding strand, the complement: PALB2 is on the minus strand). VCF-style: chr16-23635195-A-C. GRCh37 (hg19) VCF-style: chr16-23646516-A-C.
Other names: short protein forms L451V.
Identifiers: ClinVar variation 951843 (VCV000951843.13), dbSNP rs772691867, ClinGen allele CA7963716.